The following is an entry in ClinVar:

NM_006623.4(PHGDH):c.695T>A (p.Val232Glu)

Gene: PHGDH (phosphoglycerate dehydrogenase; plus strand). Cytogenetic location: 1p12.
Variant type: single nucleotide variant.
Coding change: c.695T>A on transcript NM_006623.4 (MANE Select); coding-DNA position 695, T replaced by A.
Protein change: p.Val232Glu; replaces valine 232 with glutamic acid.
Molecular consequence: missense variant.
Genome position (GRCh38, 1-based): chr1:119,735,346, T>A. VCF-style: chr1-119735346-T-A. GRCh37 (hg19) VCF-style: chr1-120277969-T-A.
Other names: short protein forms V232E.
Identifiers: ClinVar variation 3016402 (VCV003016402.3), dbSNP rs1651883877, ClinGen allele CA341850115.

ClinVar aggregate classification (germline): Uncertain significance (1 of 4 stars; one submission).

Conditions:
PHGDH deficiency. Identifiers: Orphanet 79351, MedGen C1866174, MONDO:0011152, OMIM 601815.

Allele frequency attached by ClinVar (database versions not stated): TOPMed below 0.00001.

Submission:

Labcorp Genetics (formerly Invitae), Labcorp
Classification: Uncertain significance for PHGDH deficiency. Last evaluated: 2023-03-31. Review status: criteria provided, single submitter. Criteria: Invitae Variant Classification Sherloc (09022015). Collection method: clinical testing. Allele origin: germline.
Comment: This variant is not present in population databases (gnomAD no frequency). In summary, the available evidence is currently insufficient to determine the role of this variant in disease. Therefore, it has been classified as a Variant of Uncertain Significance. Advanced modeling of protein sequence and biophysical properties (such as structural, functional, and spatial information, amino acid conservation, physicochemical variation, residue mobility, and thermodynamic stability) performed at Invitae indicates that this missense variant is expected to disrupt PHGDH protein function. This variant has not been reported in the literature in individuals affected with PHGDH-related conditions. This sequence change replaces valine, which is neutral and non-polar, with glutamic acid, which is acidic and polar, at codon 232 of the PHGDH protein (p.Val232Glu).